The following is an entry in ClinVar:

ClinVar aggregate classification (germline): Pathogenic (1 of 4 stars; one submission).

Conditions:
IGF2-related disorder. Also called: IGF2-related condition.

Submission:

PreventionGenetics, part of Exact Sciences
Classification: Pathogenic for IGF2-related condition. Last evaluated: 2025-07-14. Review status: criteria provided, single submitter. Criteria: ACMG Guidelines, 2015. Collection method: clinical testing. Allele origin: germline.
Comment: The IGF2 c.246_249delGTAC variant is predicted to result in a frameshift and premature protein termination (p.Tyr83Valfs*75). To our knowledge, this variant has not been reported in the literature or in a large population database (gnomAD), indicating this variant is rare. Frameshift variants in IGF2 are expected to be pathogenic. This variant is interpreted as pathogenic.

NM_000612.6(IGF2):c.246_249del (p.Tyr83fs)

Genes: IGF2 (insulin like growth factor 2; minus strand), INS-IGF2 (INS-IGF2 readthrough; minus strand). Cytogenetic location: 11p15.5.
Variant type: Deletion.
Coding change: c.246_249del on transcript NM_000612.6 (MANE Select); coding-DNA positions 246 to 249, 4 bases deleted (GTAC; older notation c.246_249delGTAC).
Protein change: p.Tyr83fs; shifts the reading frame from tyrosine 83.
Molecular consequence: frameshift variant. On other transcripts: non-coding transcript variant (1).
Genome position (GRCh38, 1-based): chr11:2,133,574-2,133,577, GTAC deleted on the plus strand (GTAC on the coding strand, the reverse complement: IGF2 is on the minus strand); deleting any 4 consecutive bases within chr11:2,133,574-2,133,579 gives the same sequence; the c. name uses the placement nearest the transcript's 3' end. VCF-style (leftmost placement, unchanged base first): chr11-2133573-AGTAC-A. GRCh37 (hg19) VCF-style: chr11-2154803-AGTAC-A.
Other names: c.246_249del, p.Tyr83fs (NM_001007139.6, NM_001291861.3, NM_001291862.3); c.414_417del, p.Tyr139fs (NM_001127598.3); short protein forms Y83fs, Y139fs.
Identifiers: ClinVar variation 4997314 (VCV004997314.1).